The following is an entry in ClinVar:

ClinVar aggregate classification (germline): Likely benign (0 of 4 stars; one submission).

Conditions:
MAP4-related disorder. Also called: MAP4-related condition.

Allele frequency attached by ClinVar (database versions not stated): gnomAD 0.00013; ExAC 0.00015; gnomAD exomes 0.00018; TOPMed 0.00028; ESP Exome Variant Server 0.00031.
gnomAD v4.1: 279 of 1,614,008 alleles (0.017%); highest among the groups gnomAD compares: Admixed American, 0.083%; no homozygotes.

Submission:

PreventionGenetics, part of Exact Sciences
Classification: Likely benign for MAP4-related condition. Last evaluated: 2019-05-24. Review status: no assertion criteria provided. Collection method: clinical testing. Allele origin: germline.
Comment: This variant is classified as likely benign based on ACMG/AMP sequence variant interpretation guidelines (Richards et al. 2015 PMID: 25741868, with internal and published modifications).

NM_001385682.1(MAP4):c.48C>T (p.Asp16=)

Gene: MAP4 (microtubule associated protein 4; minus strand). Cytogenetic location: 3p21.31.
Variant type: single nucleotide variant.
Coding change: c.48C>T on transcript NM_001385682.1 (MANE Select); coding-DNA position 48, C replaced by T.
Protein change: p.Asp16=; no amino-acid change (aspartic acid 16 retained).
Molecular consequence: synonymous variant. On other transcripts: intron variant (4).
Genome position (GRCh38, 1-based): chr3:47,998,813, G>A on the plus strand (C>T on the coding strand, the complement: MAP4 is on the minus strand). VCF-style: chr3-47998813-G-A. GRCh37 (hg19) VCF-style: chr3-48040303-G-A.
Other names: c.48C>T, p.Asp16= (NM_001384755.1, NM_001384756.1, NM_001384757.1 and 137 more transcripts); c.-98-20880C>T (NM_001384862.1, NM_001384845.1, NM_001384867.1 and 1 more transcripts).
Identifiers: ClinVar variation 3043664 (VCV003043664.2), dbSNP rs375224658, ClinGen allele CA2371782.